The following is an entry in ClinVar:

NM_018060.4(IARS2):c.2951A>C (p.Lys984Thr)

Gene: IARS2 (isoleucyl-tRNA synthetase 2, mitochondrial; plus strand). Cytogenetic location: 1q41.
Variant type: single nucleotide variant.
Coding change: c.2951A>C on transcript NM_018060.4 (MANE Select); coding-DNA position 2951, A replaced by C.
Protein change: p.Lys984Thr; replaces lysine 984 with threonine.
Molecular consequence: missense variant.
Genome position (GRCh38, 1-based): chr1:220,147,547, A>C. VCF-style: chr1-220147547-A-C. GRCh37 (hg19) VCF-style: chr1-220320889-A-C.
Other names: c.2951A>C (NM_018060.3); short protein forms K984T.
Identifiers: ClinVar variation 1393066 (VCV001393066.7), dbSNP rs752016185, ClinGen allele CA344620093.

ClinVar aggregate classification (germline): Uncertain significance. Review status: criteria provided, multiple submitters, no conflicts (2 of 4 stars). 2 submissions from 2 submitters: Uncertain significance (2). Last evaluated 2025-03-21.

Submissions (2):

GeneDx
Classification: Uncertain significance. Last evaluated: 2025-03-21. Review status: criteria provided, single submitter. Criteria: GeneDx Variant Classification Process June 2021. Collection method: clinical testing. Allele origin: germline. Affected: yes.
Comment: Not observed at significant frequency in large population cohorts (gnomAD); In silico analysis indicates that this missense variant does not alter protein structure/function; Has not been previously published as pathogenic or benign to our knowledge

Labcorp Genetics (formerly Invitae), Labcorp
Classification: Uncertain significance. Last evaluated: 2021-11-13. Review status: criteria provided, single submitter. Criteria: Invitae Variant Classification Sherloc (09022015). Collection method: clinical testing. Allele origin: germline.
Comment: This sequence change replaces lysine, which is basic and polar, with threonine, which is neutral and polar, at codon 984 of the IARS2 protein (p.Lys984Thr). This variant is not present in population databases (gnomAD no frequency). This variant has not been reported in the literature in individuals affected with IARS2-related conditions. Algorithms developed to predict the effect of missense changes on protein structure and function are either unavailable or do not agree on the potential impact of this missense change (SIFT: "Tolerated"; PolyPhen-2: "Possibly Damaging"; Align-GVGD: "Class C0"). In summary, the available evidence is currently insufficient to determine the role of this variant in disease. Therefore, it has been classified as a Variant of Uncertain Significance.